The following is an entry in ClinVar:

ClinVar aggregate classification (germline): Conflicting classifications of pathogenicity. Review status: criteria provided, conflicting classifications (1 of 4 stars). 3 submissions from 3 submitters: Uncertain significance (2); Likely benign (1). Last evaluated 2025-02-24.

Conditions:
Familial focal epilepsy with variable foci (FPEVF). Identifiers: Orphanet 98820, MedGen C1858477, MONDO:0020310.
Inborn genetic diseases. Identifiers: MedGen C0950123, MeSH D030342.

Allele frequency attached by ClinVar (database versions not stated): gnomAD 0.00001; TOPMed 0.00001.
gnomAD v4.1: 25 of 1,613,956 alleles (0.0015%); highest among the groups gnomAD compares: Admixed American, 0.01%; no homozygotes.

Submissions (3):

Labcorp Genetics (formerly Invitae), Labcorp
Classification: Uncertain significance for Familial focal epilepsy with variable foci. Last evaluated: 2025-02-24. Review status: criteria provided, single submitter. Criteria: Invitae Variant Classification Sherloc (09022015). Collection method: clinical testing. Allele origin: germline.
Comment: This sequence change replaces arginine, which is basic and polar, with glutamine, which is neutral and polar, at codon 555 of the DEPDC5 protein (p.Arg555Gln). This variant is present in population databases (rs199688798, gnomAD 0.01%). This variant has not been reported in the literature in individuals affected with DEPDC5-related conditions. ClinVar contains an entry for this variant (Variation ID: 937017). Experimental studies and prediction algorithms are not available or were not evaluated, and the functional significance of this variant is currently unknown. In summary, the available evidence is currently insufficient to determine the role of this variant in disease. Therefore, it has been classified as a Variant of Uncertain Significance.

GeneDx
Classification: Likely benign. Last evaluated: 2021-06-25. Review status: criteria provided, single submitter. Criteria: GeneDx Variant Classification Process June 2021. Collection method: clinical testing. Allele origin: germline. Affected: yes.

Ambry Genetics
Classification: Uncertain significance for Inborn genetic diseases. Last evaluated: 2017-09-29. Review status: criteria provided, single submitter. Criteria: Ambry Variant Classification Scheme 2023. Collection method: clinical testing. Allele origin: germline.
Comment: The p.R555Q variant (also known as c.1664G>A), located in coding exon 20 of the DEPDC5 gene, results from a G to A substitution at nucleotide position 1664. The arginine at codon 555 is replaced by glutamine, an amino acid with highly similar properties. This amino acid position is highly conserved in available vertebrate species. In addition, the in silico prediction for this alteration is inconclusive. Since supporting evidence is limited at this time, the clinical significance of this alteration remains unclear.

NM_001242896.3(DEPDC5):c.1664G>A (p.Arg555Gln)

Gene: DEPDC5 (DEP domain containing 5, GATOR1 subcomplex subunit; plus strand). Cytogenetic location: 22q12.3.
Variant type: single nucleotide variant.
Coding change: c.1664G>A on transcript NM_001242896.3 (MANE Select); coding-DNA position 1664, G replaced by A.
Protein change: p.Arg555Gln; replaces arginine 555 with glutamine.
Molecular consequence: missense variant. On other transcripts: non-coding transcript variant (5).
Genome position (GRCh38, 1-based): chr22:31,815,210, G>A. VCF-style: chr22-31815210-G-A. GRCh37 (hg19) VCF-style: chr22-32211196-G-A.
Other names: c.1664G>A, p.Arg555Gln (NM_001007188.4, NM_001136029.4, NM_001242897.2 and 7 more transcripts); c.1580G>A, p.Arg527Gln (NM_001369901.1, NM_001369902.1); short protein forms R555Q, R527Q.
Identifiers: ClinVar variation 937017 (VCV000937017.14), dbSNP rs199688798, ClinGen allele CA10196413.